The following is an entry in ClinVar:

NM_001134707.2(SARDH):c.2345C>T (p.Ala782Val)

Gene: SARDH (sarcosine dehydrogenase; minus strand). Cytogenetic location: 9q34.2.
Variant type: single nucleotide variant.
Coding change: c.2345C>T on transcript NM_001134707.2 (MANE Select); coding-DNA position 2345, C replaced by T.
Protein change: p.Ala782Val; replaces alanine 782 with valine.
Molecular consequence: missense variant.
Genome position (GRCh38, 1-based): chr9:133,670,734, G>A on the plus strand (C>T on the coding strand, the complement: SARDH is on the minus strand). VCF-style: chr9-133670734-G-A. GRCh37 (hg19) VCF-style: chr9-136535856-G-A.
Other names: c.2345C>T, p.Ala782Val (NM_007101.4); short protein forms A782V.
Identifiers: ClinVar variation 718828 (VCV000718828.29), dbSNP rs141409671, ClinGen allele CA5313927.
Genomic context (GRCh38, chr9:133,670,734, plus strand): 5'-TTGAGCTTGCAGGTGAAGGCCAGGCCTGCCTCCAGGGGGCTGTCGTCTGGCCGCAGGTCC[G>A]CGTGCCAGTGCCGGTAGCCTGTGGGAAGGGAATCCATGGGGTCGGTGCCACCCTGAGGGG-3'
Protein context (NP_001128179.1, residues 772-792): SIEKGYRHWH[Ala782Val]DLRPDDSPLE

ClinVar aggregate classification (germline): Likely benign. Review status: criteria provided, multiple submitters, no conflicts (2 of 4 stars). 3 submissions from 3 submitters: Likely benign (3). Last evaluated 2023-07-01.

Allele frequency attached by ClinVar (database versions not stated): ESP Exome Variant Server 0.00219; TOPMed 0.00252; gnomAD 0.00258 and 0.00261; 1000 Genomes Project 0.00319; 1000 Genomes Project 30x 0.00328.
gnomAD v4.1: 4,826 of 1,585,754 alleles (0.3%); highest among the groups gnomAD compares: Admixed American, 0.58%; 13 homozygotes.

Submissions (3):

CeGaT Center for Human Genetics Tuebingen
Classification: Likely benign. Last evaluated: 2023-07-01. Review status: criteria provided, single submitter. Criteria: CeGaT Center For Human Genetics Tuebingen Variant Classification Criteria Version 2. Collection method: clinical testing. Allele origin: germline. Affected: yes. Observed: 1 variant allele.
Comment: SARDH: BP4, BS2

Labcorp Genetics (formerly Invitae), Labcorp
Classification: Likely benign. Last evaluated: 2019-12-31. Review status: criteria provided, single submitter. Criteria: Invitae Variant Classification Sherloc (09022015). Collection method: clinical testing. Allele origin: germline.

Breakthrough Genomics
Classification: Likely benign. Review status: criteria provided, single submitter. Criteria: ACMG Guidelines, 2015. Collection method: not provided. Allele origin: germline. Inheritance: Autosomal recessive inheritance. Affected: yes.